The following is an entry in ClinVar:

ClinVar aggregate classification (germline): Conflicting classifications of pathogenicity. Review status: criteria provided, conflicting classifications (1 of 4 stars). 2 submissions from 2 submitters: Likely pathogenic (1); Uncertain significance (1). Last evaluated 2021-05-21.

Submissions (2):

Labcorp Genetics (formerly Invitae), Labcorp
Classification: Uncertain significance. Last evaluated: 2021-05-21. Review status: criteria provided, single submitter. Criteria: Invitae Variant Classification Sherloc (09022015). Collection method: clinical testing. Allele origin: germline.
Comment: This sequence change replaces lysine with glutamic acid at codon 524 of the ABCA4 protein (p.Lys524Glu). The lysine residue is highly conserved and there is a small physicochemical difference between lysine and glutamic acid. This variant is not present in population databases (ExAC no frequency). This variant has not been reported in the literature in individuals with ABCA4-related conditions. ClinVar contains an entry for this variant (Variation ID: 806167). Advanced modeling of protein sequence and biophysical properties (such as structural, functional, and spatial information, amino acid conservation, physicochemical variation, residue mobility, and thermodynamic stability) performed at Invitae indicates that this missense variant is expected to disrupt ABCA4 protein function. In summary, the available evidence is currently insufficient to determine the role of this variant in disease. Therefore, it has been classified as a Variant of Uncertain Significance.

CeGaT Center for Human Genetics Tuebingen
Classification: Likely pathogenic. Last evaluated: 2019-09-01. Review status: criteria provided, single submitter. Criteria: CeGaT Center For Human Genetics Tuebingen Variant Classification Criteria Version 2. Collection method: clinical testing. Allele origin: germline. Affected: yes. Observed: 4 variant alleles.

NM_000350.3(ABCA4):c.1570A>G (p.Lys524Glu)

Gene: ABCA4 (ATP binding cassette subfamily A member 4; minus strand). Cytogenetic location: 1p22.1.
Variant type: single nucleotide variant.
Coding change: c.1570A>G on transcript NM_000350.3 (MANE Select); coding-DNA position 1570, A replaced by G.
Protein change: p.Lys524Glu; replaces lysine 524 with glutamic acid.
Molecular consequence: missense variant.
Genome position (GRCh38, 1-based): chr1:94,063,302, T>C on the plus strand (A>G on the coding strand, the complement: ABCA4 is on the minus strand). VCF-style: chr1-94063302-T-C. GRCh37 (hg19) VCF-style: chr1-94528858-T-C.
Other names: c.1570A>G, p.Lys524Glu (NM_001425324.1); short protein forms K524E.
Identifiers: ClinVar variation 806167 (VCV000806167.48), dbSNP rs1570394071, ClinGen allele CA341280644.